The following is an entry in ClinVar:

ClinVar aggregate classification (germline): Uncertain significance (1 of 4 stars; one submission).

Conditions:
Autosomal recessive limb-girdle muscular dystrophy type 2O. Also called: MUSCULAR DYSTROPHY-DYSTROGLYCANOPATHY (LIMB-GIRDLE), TYPE C, 3; MUSCULAR DYSTROPHY-DYSTROGLYCANOPATHY, LIMB-GIRDLE, POMGNT1-RELATED; Limb-Girdle Muscular Dystrophy Type 3C. Identifiers: Orphanet 206564, MedGen C3150417, MONDO:0013161, OMIM 613157.
Muscular dystrophy-dystroglycanopathy (congenital with impaired intellectual development), type B, 3. Also called: MUSCULAR DYSTROPHY, CONGENITAL, POMGNT1-RELATED; Muscular dystrophy-dystroglycanopathy (congenital with intellectual disability), type B3. Identifiers: MedGen C3150412, MONDO:0013155, OMIM 613151.

Submission:

Labcorp Genetics (formerly Invitae), Labcorp
Classification: Uncertain significance for Autosomal recessive limb-girdle muscular dystrophy type 2O; Muscular dystrophy-dystroglycanopathy (congenital with impaired intellectual development), type B, 3. Last evaluated: 2025-03-07. Review status: criteria provided, single submitter. Criteria: Invitae Variant Classification Sherloc (09022015). Collection method: clinical testing. Allele origin: germline.
Comment: This sequence change replaces glutamic acid, which is acidic and polar, with glutamine, which is neutral and polar, at codon 651 of the POMGNT1 protein (p.Glu651Gln). This variant is not present in population databases (gnomAD no frequency). This variant has not been reported in the literature in individuals affected with POMGNT1-related conditions. Invitae Evidence Modeling of protein sequence and biophysical properties (such as structural, functional, and spatial information, amino acid conservation, physicochemical variation, residue mobility, and thermodynamic stability) indicates that this missense variant is not expected to disrupt POMGNT1 protein function with a negative predictive value of 95%. In summary, the available evidence is currently insufficient to determine the role of this variant in disease. Therefore, it has been classified as a Variant of Uncertain Significance.

NM_017739.4(POMGNT1):c.1951G>C (p.Glu651Gln)

Genes: POMGNT1 (protein O-linked mannose N-acetylglucosaminyltransferase 1 (beta 1,2-); minus strand), TSPAN1 (tetraspanin 1; plus strand). Cytogenetic location: 1p34.1.
Variant type: single nucleotide variant.
Coding change: c.1951G>C on transcript NM_017739.4 (MANE Select); coding-DNA position 1951, G replaced by C.
Protein change: p.Glu651Gln; replaces glutamic acid 651 with glutamine.
Molecular consequence: missense variant. On other transcripts: intron variant (3).
Genome position (GRCh38, 1-based): chr1:46,189,302, C>G on the plus strand (G>C on the coding strand, the complement: POMGNT1 is on the minus strand). VCF-style: chr1-46189302-C-G. GRCh37 (hg19) VCF-style: chr1-46654974-C-G.
Other names: c.1895+156G>C (NM_001410783.1, NM_001438686.1, NM_001438688.1); c.1925G>C, p.Gly642Ala (NM_001243766.2); c.1885G>C, p.Glu629Gln (NM_001290129.3, NM_001438691.1, NM_001438692.1); c.1522G>C, p.Glu508Gln (NM_001290130.2); c.1951G>C, p.Glu651Gln (NM_001437653.1, NM_001438689.1); short protein forms E629Q, E651Q, G642A, E508Q.
Identifiers: ClinVar variation 4794789 (VCV004794789.1).